The following is an entry in ClinVar:

ClinVar aggregate classification (germline): Uncertain significance (1 of 4 stars; one submission).

gnomAD v4.1: 1 of 1,614,180 alleles (0.000062%); highest among the groups gnomAD compares: Middle Eastern, 0.016%; no homozygotes.

Submission:

Ambry Genetics
Classification: Uncertain significance. Last evaluated: 2025-09-10. Review status: criteria provided, single submitter. Criteria: Ambry Variant Classification Scheme 2023. Collection method: clinical testing. Allele origin: germline.
Comment: The p.E389A variant (also known as c.1166A>C), located in coding exon 9 of the FAM175A gene, results from an A to C substitution at nucleotide position 1166. The glutamic acid at codon 389 is replaced by alanine, an amino acid with dissimilar properties. This amino acid position is conserved. In addition, this alteration is predicted to be tolerated by in silico analysis. Based on the available evidence, the clinical significance of this variant remains unclear.

NM_139076.3(ABRAXAS1):c.1166A>C (p.Glu389Ala)

Gene: ABRAXAS1 (abraxas 1, BRCA1 A complex subunit; minus strand). Cytogenetic location: 4q21.23.
Variant type: single nucleotide variant.
Coding change: c.1166A>C on transcript NM_139076.3 (MANE Select); coding-DNA position 1166, A replaced by C.
Protein change: p.Glu389Ala; replaces glutamic acid 389 with alanine.
Molecular consequence: missense variant.
Genome position (GRCh38, 1-based): chr4:83,462,533, T>G on the plus strand (A>C on the coding strand, the complement: ABRAXAS1 is on the minus strand). VCF-style: chr4-83462533-T-G. GRCh37 (hg19) VCF-style: chr4-84383686-T-G.
Other names: c.839A>C, p.Glu280Ala (NM_001345962.2); short protein forms E280A, E389A.
Identifiers: ClinVar variation 4186791 (VCV004186791.1).
Genomic context (GRCh38, chr4:83,462,533, plus strand): 5'-AATGTAGGAGACCGTGAATATTCACCAAAACCCTTCATCTTTTCAATTTCTTCATCTGTT[T>G]CTGGGCTGCTCATTTTGGATGCTTTATCTTGGTTACTACTACCAGTATCTGCTTTAGATC-3'
Protein context (NP_620775.2, residues 379-399): QDKASKMSSP[Glu389Ala]TDEEIEKMKG